The following is an entry in ClinVar:

NM_015338.6(ASXL1):c.295G>A (p.Gly99Arg)

Gene: ASXL1 (ASXL transcriptional regulator 1; plus strand). Cytogenetic location: 20q11.21.
Variant type: single nucleotide variant.
Coding change: c.295G>A on transcript NM_015338.6 (MANE Select); coding-DNA position 295, G replaced by A.
Protein change: p.Gly99Arg; replaces glycine 99 with arginine.
Molecular consequence: missense variant.
Genome position (GRCh38, 1-based): chr20:32,428,170, G>A. VCF-style: chr20-32428170-G-A. GRCh37 (hg19) VCF-style: chr20-31015973-G-A.
Other names: c.265G>A, p.Gly89Arg (NM_001363734.1); short protein forms G89R, G99R.
Identifiers: ClinVar variation 4864011 (VCV004864011.1).

ClinVar aggregate classification (germline): Uncertain significance (1 of 4 stars; one submission).

Conditions:
Inborn genetic diseases. Identifiers: MedGen C0950123, MeSH D030342.

gnomAD v4.1: 2 of 1,614,028 alleles (0.00012%); highest among the groups gnomAD compares: Non-Finnish European, 0.00017%; no homozygotes.

Submission:

Ambry Genetics
Classification: Uncertain significance for Inborn genetic diseases. Last evaluated: 2026-03-18. Review status: criteria provided, single submitter. Criteria: Ambry Variant Classification Scheme 2023. Collection method: clinical testing. Allele origin: germline.
Comment: The p.G99R variant (also known as c.295G>A), located in coding exon 5 of the ASXL1 gene, results from a G to A substitution at nucleotide position 295. The glycine at codon 99 is replaced by arginine, an amino acid with dissimilar properties. This amino acid position is conserved. In addition, this alteration is predicted to be tolerated by in silico analysis. Based on the available evidence, the clinical significance of this variant remains unclear.